The following is an entry in ClinVar:

ClinVar aggregate classification (germline): Uncertain significance (1 of 4 stars; one submission).

Submission:

Labcorp Genetics (formerly Invitae), Labcorp
Classification: Uncertain significance. Last evaluated: 2020-12-14. Review status: criteria provided, single submitter. Criteria: Invitae Variant Classification Sherloc (09022015). Collection method: clinical testing. Allele origin: germline.
Comment: In summary, the available evidence is currently insufficient to determine the role of this variant in disease. Therefore, it has been classified as a Variant of Uncertain Significance. Experimental studies and prediction algorithms are not available or were not evaluated, and the functional significance of this variant is currently unknown. This variant has not been reported in the literature in individuals with COL18A1-related conditions. This variant is not present in population databases (ExAC no frequency). This variant occurs in a non-coding region of the COL18A1 gene. It does not change the encoded amino acid sequence of the COL18A1 protein.

NM_001379500.1(COL18A1):c.4008_*2dup (p.Thr1336_Ter1340=)

Genes: COL18A1 (collagen type XVIII alpha 1 chain; plus strand), SLC19A1 (solute carrier family 19 member 1; minus strand). Cytogenetic location: 21q22.3.
Variant type: Duplication.
Coding change: c.4008_*2dup on transcript NM_001379500.1 (MANE Select); coding-DNA position 4008 through 2 bases downstream of the stop codon, 15 bases duplicated (TGCCTCCAAGTAGCC).
Protein change: p.Thr1336_Ter1340=.
Molecular consequence: no sequence alteration.
Genome position (GRCh38, 1-based): chr21:45,512,386-45,512,400, TGCCTCCAAGTAGCC duplicated; duplicating any 15 consecutive bases within chr21:45,512,385-45,512,400 gives the same sequence; the c. name uses the placement nearest the transcript's 3' end. VCF-style (leftmost placement, unchanged base first): chr21-45512384-A-ACTGCCTCCAAGTAGC. GRCh37 (hg19) VCF-style: chr21-46932298-A-ACTGCCTCCAAGTAGC.
Other names: c.4539_*2dup, p.Thr1513_Ter1517= (NM_030582.4); c.5244_*2dup, p.Thr1748_Ter1752= (NM_130444.3).
Identifiers: ClinVar variation 1356266 (VCV001356266.6), dbSNP rs2146153308, ClinGen allele CA2573157737.